The following is an entry in ClinVar:

NM_000237.3(LPL):c.865T>C (p.Tyr289His)

Gene: LPL (lipoprotein lipase; plus strand). Cytogenetic location: 8p21.3.
Variant type: single nucleotide variant.
Coding change: c.865T>C on transcript NM_000237.3 (MANE Select); coding-DNA position 865, T replaced by C.
Protein change: p.Tyr289His; replaces tyrosine 289 with histidine.
Molecular consequence: missense variant.
Genome position (GRCh38, 1-based): chr8:19,955,930, T>C. VCF-style: chr8-19955930-T-C. GRCh37 (hg19) VCF-style: chr8-19813441-T-C.
Other names: short protein forms Y289H.
Identifiers: ClinVar variation 4817966 (VCV004817966.1).
Genomic context (GRCh38, chr8:19,955,930, plus strand): 5'-GAGCGCTCCATTCATCTCTTCATCGACTCTCTGTTGAATGAAGAAAATCCAAGTAAGGCC[T>C]ACAGGTGCAGTTCCAAGGAAGCCTTTGAGAAAGGGCTCTGCTTGAGTTGTAGAAAGAACC-3'
Protein context (NP_000228.1, residues 279-299): LLNEENPSKA[Tyr289His]RCSSKEAFEK

ClinVar aggregate classification (germline): Likely pathogenic (1 of 4 stars; one submission).

Conditions:
Hyperlipoproteinemia, type I. Also called: HYPERLIPOPROTEINEMIA, TYPE IA; LPL DEFICIENCY; Hyperlipoproteinemia type 1; Hyperchylomicro-nemia familial; Familial chylomicronemia; Hyperlipemia idiopathic Burger-Grutz type. Identifiers: Orphanet 309015, Orphanet 444490, MedGen C0023817, MONDO:0009387, OMIM 238600. Disease mechanism: loss of function.

gnomAD v4.1: 3 of 1,614,060 alleles (0.00019%); highest among the groups gnomAD compares: African/African-American, 0.0027%; no homozygotes.

Submission:

Natera, Inc.
Classification: Likely pathogenic for Lipoprotein lipase deficiency. Last evaluated: 2025-02-27. Review status: criteria provided, single submitter. Criteria: Natera Variant Classification Schema (03/2026). Collection method: clinical testing. Allele origin: germline.
Comment: The c.865T>C variant in LPL is a missense variant predicted to cause substitution of tyrosine to histidine at amino acid 289. This variant is rare in the general population with a frequency below the threshold expected for the associated phenotype(s). This variant has been observed in one or more individuals affected with the associated recessive disease, as either homozygous or compound heterozygous with a second variant (PMID: 8728326). Functional studies show that this variant may disrupt protein function (PMID: 8728326). Computational prediction algorithms indicate this variant is likely to affect gene or protein function. Given the available evidence, this variant is classified as Likely Pathogenic.

Literature cited by the submitters: PubMed 8728326.